The following is an entry in ClinVar:

NM_000135.4(FANCA):c.3494T>G (p.Leu1165Ter)

Gene: FANCA (FA complementation group A; minus strand). Cytogenetic location: 16q24.3.
Variant type: single nucleotide variant.
Coding change: c.3494T>G on transcript NM_000135.4 (MANE Select); coding-DNA position 3494, T replaced by G.
Protein change: p.Leu1165Ter; replaces leucine 1165 with a stop codon.
Molecular consequence: nonsense.
Genome position (GRCh38, 1-based): chr16:89,746,603, A>C on the plus strand (T>G on the coding strand, the complement: FANCA is on the minus strand). VCF-style: chr16-89746603-A-C. GRCh37 (hg19) VCF-style: chr16-89813011-A-C.
Other names: c.3494T>G, p.Leu1165Ter (NM_001286167.3); short protein forms L1165*.
Identifiers: ClinVar variation 3385041 (VCV003385041.3).
Genomic context (GRCh38, chr16:89,746,603, plus strand): 5'-TCATCCCCAAAACAAAACACCAAACAAGACAGCTGACCCACCAGAGCAGAGGTCAAAATT[A>C]AGGGGCATTTCGTCTGGCACTTGGCCAGTATGAAGTCGACCATCAGGGAGGGGTCTCTGC-3'

ClinVar aggregate classification (germline): Pathogenic. Review status: criteria provided, multiple submitters, no conflicts (2 of 4 stars). 2 submissions from 2 submitters: Pathogenic (2). Last evaluated 2024-10-28.

Conditions:
Fanconi anemia (FA). Also called: Fanconi's anemia. Identifiers: Orphanet 84, MedGen C0015625, MeSH D005199, MONDO:0019391.

Submissions (2):

Women's Health and Genetics/Laboratory Corporation of America, LabCorp
Classification: Pathogenic for Fanconi anemia. Last evaluated: 2024-10-28. Review status: criteria provided, single submitter. Criteria: LabCorp Variant Classification Summary - May 2015. Collection method: clinical testing. Allele origin: germline.
Comment: Variant summary: FANCA c.3494T>G (p.Leu1165X) results in a premature termination codon, predicted to cause a truncation of the encoded protein or absence of the protein due to nonsense mediated decay, which are commonly known mechanisms for disease. The variant was absent in 251432 control chromosomes. c.3494T>G has been reported in the literature in at least one compound heterozygous individual affected with Fanconi Anemia (Kimble_2018). To our knowledge, no experimental evidence demonstrating an impact on protein function has been reported. The following publication has been ascertained in the context of this evaluation (PMID: 29098742). No submitters have cited clinical-significance assessments for this variant to ClinVar. Based on the evidence outlined above, the variant was classified as pathogenic.

Labcorp Genetics (formerly Invitae), Labcorp
Classification: Pathogenic for Fanconi anemia. Last evaluated: 2024-04-16. Review status: criteria provided, single submitter. Criteria: Invitae Variant Classification Sherloc (09022015). Collection method: clinical testing. Allele origin: germline.
Comment: This sequence change creates a premature translational stop signal (p.Leu1165*) in the FANCA gene. It is expected to result in an absent or disrupted protein product. Loss-of-function variants in FANCA are known to be pathogenic (PMID: 19367192). This variant is not present in population databases (gnomAD no frequency). This premature translational stop signal has been observed in individual(s) with Fanconi anemia (PMID: 29098742). For these reasons, this variant has been classified as Pathogenic.

Literature cited by the submitters: PubMed 29098742 (cited by Women's Health and Genetics/Laboratory Corporation of America, LabCorp and Labcorp Genetics (formerly Invitae), Labcorp); PubMed 19367192 (cited by Labcorp Genetics (formerly Invitae), Labcorp).